The following is an entry in ClinVar:

NM_001267550.2(TTN):c.16156A>G (p.Met5386Val)

Gene: TTN (titin; minus strand). Cytogenetic location: 2q31.2.
Variant type: single nucleotide variant.
Coding change: c.16156A>G on transcript NM_001267550.2 (MANE Select); coding-DNA position 16156, A replaced by G.
Protein change: p.Met5386Val; replaces methionine 5386 with valine.
Molecular consequence: missense variant. On other transcripts: intron variant (3).
Genome position (GRCh38, 1-based): chr2:178,733,020, T>C on the plus strand (A>G on the coding strand, the complement: TTN is on the minus strand). VCF-style: chr2-178733020-T-C. GRCh37 (hg19) VCF-style: chr2-179597747-T-C.
Other names: p.M5069V:ATG>GTG; c.15205A>G, p.Met5069Val (NM_001256850.1); c.12424A>G, p.Met4142Val (NM_133378.4); c.13282+5062A>G (NM_003319.4); c.13858+5062A>G (NM_133437.4); c.13657+5062A>G (NM_133432.3); short protein forms M5069V, M5386V, M4142V.
Identifiers: ClinVar variation 203253 (VCV000203253.10), dbSNP rs567457007, ClinGen allele CA311821.
Genomic context (GRCh38, chr2:178,733,020, plus strand): 5'-CTATCCTGTATCTGTCAGAAGCAGCTATTTCTTTGCCATCCTTAAACCAGGACACCCTCA[T>C]GGGGAGGGAGCCTGCAATTTTGCAGTCCAGTCTGCAGGTACCATTAACAACACTATCCAC-3'
Protein context (NP_001254479.2, residues 5376-5396): LDCKIAGSLP[Met5386Val]RVSWFKDGKE

ClinVar aggregate classification (germline): Uncertain significance. Review status: criteria provided, multiple submitters, no conflicts (2 of 4 stars). 5 submissions from 5 submitters: Uncertain significance (5). Last evaluated 2026-06-29.

Conditions:
TTN-related disorder. Also called: TTN-related condition; TTN-related disease; TTN-related disorders.
Dilated cardiomyopathy 1G (CMD1G). Identifiers: Orphanet 154, MedGen C1858763, MONDO:0011400, OMIM 604145.
Autosomal recessive limb-girdle muscular dystrophy type 2J (LGMDR10). Also called: Limb-girdle muscular dystrophy, type 2J; MUSCULAR DYSTROPHY, LIMB-GIRDLE, AUTOSOMAL RECESSIVE 10. Identifiers: Orphanet 140922, MedGen C1837342, MONDO:0012127, OMIM 608807.
Early-onset myopathy with fatal cardiomyopathy (CMYO5). Also called: Salih Myopathy; CONGENITAL MYOPATHY 5 WITH CARDIOMYOPATHY. Identifiers: Orphanet 289377, MedGen C2673677, MONDO:0012714, OMIM 611705. Disease mechanism: loss of function.
Tibial muscular dystrophy (TMD). Also called: Tibial muscular dystrophy, tardive; Udd Distal Myopathy – Tibial Muscular Dystrophy; UDD MYOPATHY. Identifiers: Orphanet 609, MedGen C1838244, MONDO:0010870, OMIM 600334.
Myopathy, myofibrillar, 9, with early respiratory failure (MFM9). Also called: Myopathy, distal, with early respiratory failure, autosomal dominant; MYOPATHY, PROXIMAL, WITH EARLY RESPIRATORY MUSCLE INVOLVEMENT; Hereditary myopathy with early respiratory failure; EDSTROM MYOPATHY. Identifiers: Orphanet 178464, Orphanet 34521, MedGen C1863599, MONDO:0011362, OMIM 603689.
Hypertrophic cardiomyopathy 9. Also called: Familial hypertrophic cardiomyopathy 9. Identifiers: MedGen C1861065, MONDO:0013412, OMIM 613765.

Allele frequency attached by ClinVar (database versions not stated): gnomAD exomes 0.00002; gnomAD 0.00007 and 0.00008; TOPMed 0.00009.
gnomAD v4.1: 34 of 1,613,482 alleles (0.0021%); highest among the groups gnomAD compares: African/African-American, 0.037%; no homozygotes.

Submissions (5):

PreventionGenetics, part of Exact Sciences
Classification: Uncertain significance for TTN-related condition. Last evaluated: 2026-06-29. Review status: criteria provided, single submitter. Criteria: ACMG Guidelines, 2015. Collection method: clinical testing. Allele origin: germline.
Comment: The TTN c.16156A>G variant is predicted to result in the amino acid substitution p.Met5386Val. To our knowledge, this variant has not been reported in the literature. This variant is reported in 0.033% of alleles in individuals of African descent in gnomAD. At this time, the clinical significance of this variant is uncertain due to the absence of conclusive functional and genetic evidence.

Revvity Omics, Revvity
Classification: Uncertain significance. Last evaluated: 2024-06-27. Review status: criteria provided, single submitter. Criteria: ACMG Guidelines, 2015. Collection method: clinical testing. Allele origin: germline.

Fulgent Genetics
Classification: Uncertain significance for Tibial muscular dystrophy; Myopathy, myofibrillar, 9, with early respiratory failure; Dilated cardiomyopathy 1G; Autosomal recessive limb-girdle muscular dystrophy type 2J; Early-onset myopathy with fatal cardiomyopathy; Hypertrophic cardiomyopathy 9. Last evaluated: 2021-10-17. Review status: criteria provided, single submitter. Criteria: ACMG Guidelines, 2015. Collection method: clinical testing. Allele origin: unknown.

Labcorp Genetics (formerly Invitae), Labcorp
Classification: Uncertain significance for Dilated cardiomyopathy 1G; Autosomal recessive limb-girdle muscular dystrophy type 2J. Last evaluated: 2017-11-04. Review status: criteria provided, single submitter. Criteria: Invitae Variant Classification Sherloc (09022015). Collection method: clinical testing. Allele origin: germline.

GeneDx
Classification: Uncertain significance. Last evaluated: 2013-09-11. Review status: criteria provided, single submitter. Criteria: GeneDx Variant Classification (06012015). Collection method: clinical testing. Allele origin: germline. Affected: yes.
Comment: Missense variants in the TTN gene are considered 'unclassified' if they are not previously reported in the literature and do not have >1% frequency in the population to be considered a polymorphism. Research indicates that truncating mutations in the TTN gene are expected to account for approximately 25% of familial and 18% of sporadic idiopathic DCM; however, truncating variants in the TTN gene have been reported in approximately 3% of reported control alleles. There has been little investigation into non-truncating variants. (Herman D et al. Truncations of titin causing dilated cardiomyopathy. N Eng J Med 366:619-628, 2012) The variant is found in DCM panel(s).